The following is an entry in ClinVar:

NM_000541.5(SAG):c.969C>G (p.Thr323=)

Gene: SAG (S-antigen visual arrestin; plus strand). Cytogenetic location: 2q37.1.
Variant type: single nucleotide variant.
Coding change: c.969C>G on transcript NM_000541.5 (MANE Select); coding-DNA position 969, C replaced by G.
Protein change: p.Thr323=; no amino-acid change (threonine 323 retained).
Molecular consequence: synonymous variant.
Genome position (GRCh38, 1-based): chr2:233,338,700, C>G. VCF-style: chr2-233338700-C-G. GRCh37 (hg19) VCF-style: chr2-234247346-C-G.
Other names: c.969C>G (NM_000541.4).
Identifiers: ClinVar variation 1632344 (VCV001632344.9), dbSNP rs370127904, ClinGen allele CA2174602.

ClinVar aggregate classification (germline): Likely benign. Review status: criteria provided, multiple submitters, no conflicts (2 of 4 stars). 2 submissions from 2 submitters: Likely benign (2). Last evaluated 2025-09-16.

Conditions:
SAG-related disorder. Also called: SAG-related condition; SAG-related disorders.

gnomAD v4.1: 30 of 1,613,798 alleles (0.0019%); highest among the groups gnomAD compares: Admixed American, 0.01%; no homozygotes.

Submissions (2):

Labcorp Genetics (formerly Invitae), Labcorp
Classification: Likely benign. Last evaluated: 2025-09-16. Review status: criteria provided, single submitter. Criteria: Invitae Variant Classification Sherloc (09022015). Collection method: clinical testing. Allele origin: germline.

PreventionGenetics, part of Exact Sciences
Classification: Likely benign for SAG-related condition. Last evaluated: 2025-05-22. Review status: criteria provided, single submitter. Criteria: ACMG Guidelines, 2015. Collection method: clinical testing. Allele origin: germline.
Comment: This variant is classified as likely benign based on ACMG/AMP sequence variant interpretation guidelines (Richards et al. 2015 PMID: 25741868, with internal and published modifications).